The following is an entry in ClinVar:

ClinVar aggregate classification (germline): Uncertain significance. Review status: criteria provided, multiple submitters, no conflicts (2 of 4 stars). 2 submissions from 2 submitters: Uncertain significance (2). Last evaluated 2022-06-03.

Conditions:
Charcot-Marie-Tooth disease type 4. Also called: Charcot-Marie-Tooth, Type 4; Charcot-Marie-Tooth disease, type IV. Identifiers: Orphanet 64749, MedGen C4082197, MONDO:0018995.

Allele frequency attached by ClinVar (database versions not stated): gnomAD 0.00001; TOPMed 0.00003.
gnomAD v4.1: 2 of 1,614,060 alleles (0.00012%); highest among the groups gnomAD compares: African/African-American, 0.0027%; no homozygotes.

Submissions (2):

Mayo Clinic Laboratories, Mayo Clinic
Classification: Uncertain significance. Last evaluated: 2022-06-03. Review status: criteria provided, single submitter. Criteria: ACMG Guidelines, 2015. Collection method: clinical testing. Allele origin: germline. Observed: 1 variant allele.
Comment: BP4, PM2

Labcorp Genetics (formerly Invitae), Labcorp
Classification: Uncertain significance for Charcot-Marie-Tooth disease type 4. Last evaluated: 2022-03-09. Review status: criteria provided, single submitter. Criteria: Invitae Variant Classification Sherloc (09022015). Collection method: clinical testing. Allele origin: germline.
Comment: This sequence change replaces aspartic acid, which is acidic and polar, with glutamic acid, which is acidic and polar, at codon 752 of the SH3TC2 protein (p.Asp752Glu). This variant is present in population databases (no rsID available, gnomAD 0.01%). This variant has not been reported in the literature in individuals affected with SH3TC2-related conditions. ClinVar contains an entry for this variant (Variation ID: 1009836). Advanced modeling of protein sequence and biophysical properties (such as structural, functional, and spatial information, amino acid conservation, physicochemical variation, residue mobility, and thermodynamic stability) performed at Invitae indicates that this missense variant is not expected to disrupt SH3TC2 protein function. In summary, the available evidence is currently insufficient to determine the role of this variant in disease. Therefore, it has been classified as a Variant of Uncertain Significance.

NM_024577.4(SH3TC2):c.2256C>G (p.Asp752Glu)

Gene: SH3TC2 (SH3 domain and tetratricopeptide repeats 2; minus strand). Cytogenetic location: 5q32.
Variant type: single nucleotide variant.
Coding change: c.2256C>G on transcript NM_024577.4 (MANE Select); coding-DNA position 2256, C replaced by G.
Protein change: p.Asp752Glu; replaces aspartic acid 752 with glutamic acid.
Molecular consequence: missense variant.
Genome position (GRCh38, 1-based): chr5:149,027,476, G>C on the plus strand (C>G on the coding strand, the complement: SH3TC2 is on the minus strand). VCF-style: chr5-149027476-G-C. GRCh37 (hg19) VCF-style: chr5-148407039-G-C.
Other names: p.Asp752Glu; c.2256C>G (NM_024577.3); short protein forms D752E.
Identifiers: ClinVar variation 1009836 (VCV001009836.6), dbSNP rs897500539, ClinGen allele CA128984513.